The following is an entry in ClinVar:

NM_002485.5(NBN):c.1167G>A (p.Met389Ile)

Gene: NBN (nibrin; minus strand). Cytogenetic location: 8q21.3.
Variant type: single nucleotide variant.
Coding change: c.1167G>A on transcript NM_002485.5 (MANE Select); coding-DNA position 1167, G replaced by A.
Protein change: p.Met389Ile; replaces methionine 389 with isoleucine.
Molecular consequence: missense variant.
Genome position (GRCh38, 1-based): chr8:89,955,513, C>T on the plus strand (G>A on the coding strand, the complement: NBN is on the minus strand). VCF-style: chr8-89955513-C-T. GRCh37 (hg19) VCF-style: chr8-90967741-C-T.
Other names: c.921G>A, p.Met307Ile (NM_001024688.3); short protein forms M307I, M389I.
Identifiers: ClinVar variation 2737381 (VCV002737381.4), dbSNP rs2488245416, ClinGen allele CA371656446.

ClinVar aggregate classification (germline): Uncertain significance. Review status: criteria provided, multiple submitters, no conflicts (2 of 4 stars). 2 submissions from 2 submitters: Uncertain significance (2). Last evaluated 2025-12-07.

Conditions:
Hereditary cancer-predisposing syndrome. Also called: Hereditary neoplastic syndrome; Hereditary Cancer Syndrome; Neoplastic Syndromes, Hereditary; Tumor predisposition. Identifiers: Orphanet 140162, MedGen C0027672, MeSH D009386, MONDO:0015356.
Microcephaly, normal intelligence and immunodeficiency (NBS). Also called: BERLIN BREAKAGE SYNDROME; IMMUNODEFICIENCY, MICROCEPHALY, AND CHROMOSOMAL INSTABILITY; SEEMANOVA SYNDROME II; Immunodeficiency, microcephaly with normal intelligence; Ataxia telangiectasia variant V1; Nijmegen breakage syndrome. Identifiers: Orphanet 647, MedGen C0398791, MONDO:0009623, OMIM 251260.

Submissions (2):

Ambry Genetics
Classification: Uncertain significance for Hereditary cancer-predisposing syndrome. Last evaluated: 2025-12-07. Review status: criteria provided, single submitter. Criteria: Ambry Variant Classification Scheme 2023. Collection method: clinical testing. Allele origin: germline.
Comment: The p.M389I variant (also known as c.1167G>A), located in coding exon 10 of the NBN gene, results from a G to A substitution at nucleotide position 1167. The methionine at codon 389 is replaced by isoleucine, an amino acid with highly similar properties. This amino acid position is conserved. In addition, this alteration is predicted to be tolerated by in silico analysis. Based on the available evidence, the clinical significance of this variant remains unclear.

Labcorp Genetics (formerly Invitae), Labcorp
Classification: Uncertain significance for Microcephaly, normal intelligence and immunodeficiency. Last evaluated: 2023-07-07. Review status: criteria provided, single submitter. Criteria: Invitae Variant Classification Sherloc (09022015). Collection method: clinical testing. Allele origin: germline.
Comment: This sequence change replaces methionine, which is neutral and non-polar, with isoleucine, which is neutral and non-polar, at codon 389 of the NBN protein (p.Met389Ile). This variant is not present in population databases (gnomAD no frequency). This variant has not been reported in the literature in individuals affected with NBN-related conditions. Algorithms developed to predict the effect of missense changes on protein structure and function output the following: SIFT: "Not Available"; PolyPhen-2: "Benign"; Align-GVGD: "Not Available". The isoleucine amino acid residue is found in multiple mammalian species, which suggests that this missense change does not adversely affect protein function. In summary, the available evidence is currently insufficient to determine the role of this variant in disease. Therefore, it has been classified as a Variant of Uncertain Significance.